The following is an entry in ClinVar:

NM_001042492.3(NF1):c.3748C>A (p.Arg1250=)

Gene: NF1 (neurofibromin 1; plus strand). Cytogenetic location: 17q11.2.
Variant type: single nucleotide variant.
Coding change: c.3748C>A on transcript NM_001042492.3 (MANE Select); coding-DNA position 3748, C replaced by A.
Protein change: p.Arg1250=; no amino-acid change (arginine 1250 retained).
Molecular consequence: synonymous variant.
Genome position (GRCh38, 1-based): chr17:31,235,650, C>A. VCF-style: chr17-31235650-C-A. GRCh37 (hg19) VCF-style: chr17-29562668-C-A.
Other names: c.3748C>A, p.Arg1250= (NM_000267.4).
Identifiers: ClinVar variation 1734525 (VCV001734525.8), dbSNP rs1452005208, ClinGen allele CA499232496.

ClinVar aggregate classification (germline): Conflicting classifications of pathogenicity. Review status: criteria provided, conflicting classifications (1 of 4 stars). 2 submissions from 2 submitters: Likely pathogenic (1); Uncertain significance (1). Last evaluated 2024-11-25.

Conditions:
Cardiovascular phenotype. Identifiers: MedGen CN230736.
Hereditary cancer-predisposing syndrome. Also called: Neoplastic Syndromes, Hereditary; Tumor predisposition; Hereditary Cancer Syndrome; Hereditary neoplastic syndrome. Identifiers: Orphanet 140162, MedGen C0027672, MeSH D009386, MONDO:0015356.
Neurofibromatosis, type 1 (NF1). Also called: VON RECKLINGHAUSEN DISEASE; NEUROFIBROMATOSIS, TYPE I, SOMATIC; Neurofibromatosis, type I; Peripheral type neurofibromatosis. Identifiers: Orphanet 636, MedGen C0027831, MONDO:0018975, OMIM 162200. Disease mechanism: loss of function.

Submissions (2):

Labcorp Genetics (formerly Invitae), Labcorp
Classification: Uncertain significance for Neurofibromatosis, type 1. Last evaluated: 2024-11-25. Review status: criteria provided, single submitter. Criteria: Invitae Variant Classification Sherloc (09022015). Collection method: clinical testing. Allele origin: germline.
Comment: This sequence change affects codon 1250 of the NF1 mRNA. It is a 'silent' change, meaning that it does not change the encoded amino acid sequence of the NF1 protein. RNA analysis indicates that this variant induces altered splicing and may result in an absent or altered protein product. This variant is not present in population databases (gnomAD no frequency). This variant has been observed in individual(s) with clinical features of neurofibromatosis type 1 and/or neurofibromatosis type 1 (PMID: 26740943; internal data). ClinVar contains an entry for this variant (Variation ID: 1734525). Studies have shown that this variant results in activation of a cryptic splice site, and produces a non-functional protein and/or introduces a premature termination codon (PMID: 26740943). In summary, the available evidence is currently insufficient to determine the role of this variant in disease. Therefore, it has been classified as a Variant of Uncertain Significance.

Ambry Genetics
Classification: Likely pathogenic for Cardiovascular phenotype; Hereditary cancer-predisposing syndrome. Last evaluated: 2024-07-24. Review status: criteria provided, single submitter. Criteria: Ambry Variant Classification Scheme 2023. Collection method: clinical testing. Allele origin: germline.
Comment: The c.3748C>A variant (also known as p.R1250R), located in coding exon 28 of the NF1 gene, results from a C to A substitution at nucleotide position 3748. This nucleotide substitution does not change the arginine at codon 1250. In addition, this variant was predicted at the mRNA level to have an impact on splicing, producing a transcript with an out of frame deletion (r.3709_3749del41) resulting in a reading frameshift and premature stop codon (Bianchessi D, et al. Mol Genet Genomic Med 2015; 3(6):513-25). This nucleotide position is highly conserved in available vertebrate species. In silico splice site analysis predicts that this alteration will result in the creation or strengthening of a novel splice acceptor site. RNA studies have demonstrated that this alteration results in abnormal splicing in the set of samples tested (Ambry internal data). Based on the majority of available evidence to date, this variant is likely to be pathogenic.

Literature cited by the submitters: PubMed 26740943 (cited by Labcorp Genetics (formerly Invitae), Labcorp and Ambry Genetics).